The following is an entry in ClinVar:

ClinVar aggregate classification (germline): Uncertain significance (1 of 4 stars; one submission).

Conditions:
Perlman syndrome (PRLMNS). Identifiers: Orphanet 2849, MedGen C0796113, MONDO:0009965, OMIM 267000.

Submission:

Labcorp Genetics (formerly Invitae), Labcorp
Classification: Uncertain significance for Perlman syndrome. Last evaluated: 2023-11-13. Review status: criteria provided, single submitter. Criteria: Invitae Variant Classification Sherloc (09022015). Collection method: clinical testing. Allele origin: germline.
Comment: This sequence change replaces valine, which is neutral and non-polar, with alanine, which is neutral and non-polar, at codon 426 of the DIS3L2 protein (p.Val426Ala). This variant is not present in population databases (gnomAD no frequency). This variant has not been reported in the literature in individuals affected with DIS3L2-related conditions. Advanced modeling of protein sequence and biophysical properties (such as structural, functional, and spatial information, amino acid conservation, physicochemical variation, residue mobility, and thermodynamic stability) performed at Invitae indicates that this missense variant is not expected to disrupt DIS3L2 protein function with a negative predictive value of 80%. In summary, the available evidence is currently insufficient to determine the role of this variant in disease. Therefore, it has been classified as a Variant of Uncertain Significance.

NM_152383.5(DIS3L2):c.1277T>C (p.Val426Ala)

Gene: DIS3L2 (DIS3 like 3'-5' exoribonuclease 2; plus strand). Cytogenetic location: 2q37.1.
Variant type: single nucleotide variant.
Coding change: c.1277T>C on transcript NM_152383.5 (MANE Select); coding-DNA position 1277, T replaced by C.
Protein change: p.Val426Ala; replaces valine 426 with alanine.
Molecular consequence: missense variant. On other transcripts: non-coding transcript variant (2).
Genome position (GRCh38, 1-based): chr2:232,238,605, T>C. VCF-style: chr2-232238605-T-C. GRCh37 (hg19) VCF-style: chr2-233103315-T-C.
Other names: c.1277T>C, p.Val426Ala (NM_001257281.2); short protein forms V426A.
Identifiers: ClinVar variation 2990464 (VCV002990464.3), dbSNP rs1553539258, ClinGen allele CA351154711.